The following is an entry in ClinVar:

NM_000057.4(BLM):c.557C>A (p.Ser186Ter)

Gene: BLM (BLM RecQ like helicase; plus strand). Cytogenetic location: 15q26.1.
Variant type: single nucleotide variant.
Coding change: c.557C>A on transcript NM_000057.4 (MANE Select); coding-DNA position 557, C replaced by A.
Protein change: p.Ser186Ter; replaces serine 186 with a stop codon.
Molecular consequence: nonsense. On other transcripts: 5 prime UTR variant (1).
Genome position (GRCh38, 1-based): chr15:90,749,825, C>A. VCF-style: chr15-90749825-C-A. GRCh37 (hg19) VCF-style: chr15-91293055-C-A.
Other names: c.557C>A, p.Ser186Ter (NM_001287246.2, NM_001287247.2); c.-735C>A (NM_001287248.2); short protein forms S186*.
Identifiers: ClinVar variation 2955983 (VCV002955983.5), dbSNP rs1342383599, ClinGen allele CA393841045.
Genomic context (GRCh38, chr15:90,749,825, plus strand): 5'-CAAAATCATTTGTTACACCACCCCAAAGTCACTTTGTAAGAGTAAGCACTGCTCAGAAAT[C>A]AAAAAAGGGTAAGAGAAACTTTTTTAAAGCACAGCTTTATACAACAAACACAGTAAAGAC-3'

ClinVar aggregate classification (germline): Pathogenic. Review status: criteria provided, multiple submitters, no conflicts (2 of 4 stars). 3 submissions from 3 submitters: Pathogenic (2). 1 of the submissions does not count toward it. Last evaluated 2026-04-28.

Conditions:
Bloom syndrome (BLM). Also called: Bloom-Torre-Machacek syndrome. Identifiers: Orphanet 125, MedGen C0005859, MONDO:0008876, OMIM 210900.

Submissions (3):

Myriad Genetics, Inc.
Classification: Pathogenic for Bloom syndrome. Last evaluated: 2026-04-28. Review status: criteria provided, single submitter. Criteria: Myriad Autosomal Dominant, Autosomal Recessive and X-Linked Classification Criteria (2023). Collection method: clinical testing. Allele origin: unknown.
Comment: NM_000057.3(BLM):c.557C>A(S186*) is a nonsense variant classified as pathogenic in the context of Bloom syndrome. S186* has not been observed in cases with relevant disease. Relevant functional assessments of this variant are not available in the literature. S186* has been observed in referenced population frequency databases. In summary, NM_000057.3(BLM):c.557C>A(S186*) is a nonsense variant in a gene where loss of function is a known mechanism of disease and is predicted to disrupt protein function. Please note: this variant was assessed in the context of healthy population screening.

Labcorp Genetics (formerly Invitae), Labcorp
Classification: Pathogenic for Bloom syndrome. Last evaluated: 2023-04-28. Review status: criteria provided, single submitter. Criteria: Invitae Variant Classification Sherloc (09022015). Collection method: clinical testing. Allele origin: germline.
Comment: The frequency data for this variant in the population databases is considered unreliable, as metrics indicate poor data quality at this position in the gnomAD database. This sequence change creates a premature translational stop signal (p.Ser186*) in the BLM gene. It is expected to result in an absent or disrupted protein product. Loss-of-function variants in BLM are known to be pathogenic (PMID: 17407155). This premature translational stop signal has been observed in individual(s) with Bloom syndrome (PMID: 7585968). For these reasons, this variant has been classified as Pathogenic.

Hong-Tao Li Lab, Institute of Brain Science and Brain-inspired Research, Shandong First Medical University & Shandong Academy of Medical Sciences China
Classification: Pathogenic for Bloom syndrome. Review status: no assertion criteria provided. Collection method: research. Allele origin: germline. Inheritance: Autosomal recessive inheritance. Affected: yes. Observed: 1 variant allele, 1 homozygote. Not counted in ClinVar's aggregate classification.
Comment: Observed in affected individuals from a Pakistani neurodevelopmental-disorder research cohort of 263 individuals. Classification assigned using the ACMG/AMP framework. Population-frequency evidence: gnomAD AF 1.954e-05.

Literature cited by the submitters: PubMed 17407155 (cited by Labcorp Genetics (formerly Invitae), Labcorp); PubMed 7585968 (cited by Labcorp Genetics (formerly Invitae), Labcorp).